The following is an entry in ClinVar:

NM_000020.3(ACVRL1):c.1055C>A (p.Ala352Asp)

Gene: ACVRL1 (activin A receptor like type 1; plus strand). Cytogenetic location: 12q13.13.
Variant type: single nucleotide variant.
Coding change: c.1055C>A on transcript NM_000020.3 (MANE Select); coding-DNA position 1055, C replaced by A.
Protein change: p.Ala352Asp; replaces alanine 352 with aspartic acid.
Molecular consequence: missense variant.
Genome position (GRCh38, 1-based): chr12:51,916,042, C>A. VCF-style: chr12-51916042-C-A. GRCh37 (hg19) VCF-style: chr12-52309826-C-A.
Other names: c.1055C>A, p.Ala352Asp (NM_001077401.2); short protein forms A352D.
Identifiers: ClinVar variation 426023 (VCV000426023.17), dbSNP rs1085307415, ClinGen allele CA384901981.
Genomic context (GRCh38, chr12:51,916,042, plus strand): 5'-CCCTGGATCCCAGGTTTGGGAGAGGGGCAGGAGTGACAGGCCTCACCCCCACAGGCCTGG[C>A]TGTGATGCACTCACAGGGCAGCGATTACCTGGACATCGGCAACAACCCGAGAGTGGGCAC-3'
Protein context (NP_000011.2, residues 342-362): LQCCIADLGL[Ala352Asp]VMHSQGSDYL

ClinVar aggregate classification (germline): Pathogenic/Likely pathogenic. Review status: criteria provided, multiple submitters, no conflicts (2 of 4 stars). 5 submissions from 5 submitters: Pathogenic (3); Likely pathogenic (1). 1 of the submissions does not count toward it. Last evaluated 2026-01-18.

Conditions:
ACVRL1-related disorder. Also called: ACVRL1-related disorders; ACVRL1-related condition.
Pulmonary arterial hypertension related to hereditary hemorrhagic telangiectasia. Also called: PULMONARY ARTERIAL HYPERTENSION, HEREDITARY HEMORRHAGIC TELANGIECTASIA-RELATED. Identifiers: MedGen C1832529.
Telangiectasia, hereditary hemorrhagic, type 2 (HHT2). Also called: Telangiectasia, hereditary hemorrhagic, type II; ACVRL1-Related Hereditary Hemorrhagic Telangiectasia. Identifiers: Orphanet 774, MedGen C1838163, MONDO:0010880, OMIM 600376. Disease mechanism: loss of function.
Cardiovascular phenotype. Identifiers: MedGen CN230736.

Allele frequency attached by ClinVar (database versions not stated): gnomAD exomes below 0.00001.

Submissions (5):

Labcorp Genetics (formerly Invitae), Labcorp
Classification: Pathogenic for Telangiectasia, hereditary hemorrhagic, type 2. Last evaluated: 2026-01-18. Review status: criteria provided, single submitter. Criteria: Invitae Variant Classification Sherloc (09022015). Collection method: clinical testing. Allele origin: germline.
Comment: This sequence change replaces alanine, which is neutral and non-polar, with aspartic acid, which is acidic and polar, at codon 352 of the ACVRL1 protein (p.Ala352Asp). This variant is not present in population databases (gnomAD no frequency). This missense change has been observed in individual(s) with hereditary hemorrhagic telangiectasia (PMID: 16690726, 19357124; internal data). ClinVar contains an entry for this variant (Variation ID: 426023). Invitae Evidence Modeling of protein sequence and biophysical properties (such as structural, functional, and spatial information, amino acid conservation, physicochemical variation, residue mobility, and thermodynamic stability) indicates that this missense variant is expected to disrupt ACVRL1 protein function with a positive predictive value of 95%. For these reasons, this variant has been classified as Pathogenic.

Blueprint Genetics
Classification: Pathogenic for ACVRL1-related disorders. Last evaluated: 2024-06-27. Review status: criteria provided, single submitter. Criteria: ACMG Guidelines, 2015. Collection method: clinical testing. Allele origin: germline. Affected: yes. Observed: 4 variant alleles.

Ambry Genetics
Classification: Likely pathogenic for Cardiovascular phenotype. Last evaluated: 2017-11-15. Review status: criteria provided, single submitter. Criteria: Ambry Variant Classification Scheme 2023. Collection method: clinical testing. Allele origin: germline.
Comment: The p.A352D variant (also known as c.1055C>A), located in coding exon 7 of the ACVRL1 gene, results from a C to A substitution at nucleotide position 1055. This variant was identified in two unrelated individuals with epistaxis, telangiectasias, pulmonary arterial hypertension, and arteriovenous malformations (Smoot LB et al. Arch. Dis. Child., 2009 Jul;94:506-11). This variant was also reported in individuals with epistaxis and positive family history of hereditary hemorrhagic telangiectasia (Prigoda NL et al. J. Med. Genet., 2006 Sep;43:722-8; Song J et al. Clin. Sci., 2016 Nov;130:2043-2052). The alanine at codon 352 is replaced by aspartic acid, an amino acid with dissimilar properties. This amino acid position is highly conserved in available vertebrate species. In addition, this alteration is predicted to be deleterious by in silico analysis. Based on the majority of available evidence to date, this variant is likely to be pathogenic.

ARUP Laboratories, Molecular Genetics and Genomics, ARUP Laboratories
Classification: Pathogenic. Last evaluated: 2017-01-04. Review status: criteria provided, single submitter. Criteria: ARUP Molecular Germline Variant Investigation Process. Collection method: clinical testing. Allele origin: germline.

Rare Disease Genomics Group, St George's University of London
Classification: Pathogenic for Pulmonary arterial hypertension related to hereditary hemorrhagic telangiectasia. Review status: no assertion criteria provided. Collection method: literature only. Allele origin: germline. Affected: yes. Not counted in ClinVar's aggregate classification.

Literature cited by the submitters: PubMed 16690726 (cited by Labcorp Genetics (formerly Invitae), Labcorp and Ambry Genetics); PubMed 19357124 (cited by 3 submitters); PubMed 21158752 (cited by Ambry Genetics); PubMed 27613157 (cited by Ambry Genetics).